The following is an entry in ClinVar:

NM_005751.5(AKAP9):c.11300C>T (p.Ser3767Leu)

Gene: AKAP9 (A-kinase anchoring protein 9; plus strand). Cytogenetic location: 7q21.2.
Variant type: single nucleotide variant.
Coding change: c.11300C>T on transcript NM_005751.5 (MANE Select); coding-DNA position 11300, C replaced by T.
Protein change: p.Ser3767Leu; replaces serine 3767 with leucine.
Molecular consequence: missense variant.
Genome position (GRCh38, 1-based): chr7:92,102,796, C>T. VCF-style: chr7-92102796-C-T. GRCh37 (hg19) VCF-style: chr7-91732110-C-T.
Other names: c.5945C>T, p.Ser1982Leu (NM_001379277.1); c.11276C>T, p.Ser3759Leu (NM_147185.3); short protein forms S3767L, S3759L, S1982L.
Identifiers: ClinVar variation 457084 (VCV000457084.28), dbSNP rs149979685, ClinGen allele CA4338140.

ClinVar aggregate classification (germline): Benign/Likely benign. Review status: criteria provided, multiple submitters, no conflicts (2 of 4 stars). 7 submissions from 7 submitters: Benign (3); Likely benign (3). 1 of the submissions does not count toward it. Last evaluated 2026-02-01.

Conditions:
Long QT syndrome (LQTS). Identifiers: MedGen C0023976, MeSH D008133, MONDO:0002442. Disease mechanism: loss of function. Inheritance: Various modes of inheritance.
AKAP9-related disorder. Also called: AKAP9-related condition.
Cardiovascular phenotype. Identifiers: MedGen CN230736.
Long QT syndrome 11 (LQT11). Identifiers: Orphanet 101016, Orphanet 768, MedGen C2678483, MONDO:0012738, OMIM 611820.

Allele frequency attached by ClinVar (database versions not stated): gnomAD exomes 0.00016 and 0.00041; 1000 Genomes Project 30x 0.00141; gnomAD 0.00143 and 0.00148; TOPMed 0.00157; ExAC 0.00043; ESP Exome Variant Server 0.00123; 1000 Genomes Project 0.00140.
gnomAD v4.1: 459 of 1,614,096 alleles (0.028%); highest among the groups gnomAD compares: African/African-American, 0.5%; 3 homozygotes.

Submissions (7):

Labcorp Genetics (formerly Invitae), Labcorp
Classification: Benign for Long QT syndrome. Last evaluated: 2026-02-01. Review status: criteria provided, single submitter. Criteria: Invitae Variant Classification Sherloc (09022015). Collection method: clinical testing. Allele origin: germline.

CeGaT Center for Human Genetics Tuebingen
Classification: Benign. Last evaluated: 2025-03-01. Review status: criteria provided, single submitter. Criteria: CeGaT Center For Human Genetics Tuebingen Variant Classification Criteria Version 2. Collection method: clinical testing. Allele origin: germline. Affected: yes. Observed: 1 variant allele.
Comment: AKAP9: BS1, BS2

Blueprint Genetics
Classification: Likely benign. Last evaluated: 2024-11-14. Review status: criteria provided, single submitter. Criteria: ACMG Guidelines, 2015. Collection method: clinical testing. Allele origin: germline.

Genome-Nilou Lab
Classification: Benign for Long QT syndrome 11. Last evaluated: 2021-12-05. Review status: criteria provided, single submitter. Criteria: ACMG Guidelines, 2015. Collection method: clinical testing. Allele origin: germline. Affected: no.

Ambry Genetics
Classification: Likely benign for Cardiovascular phenotype. Last evaluated: 2018-11-01. Review status: criteria provided, single submitter. Criteria: Ambry Variant Classification Scheme 2023. Collection method: clinical testing. Allele origin: germline.

Breakthrough Genomics
Classification: Likely benign. Review status: criteria provided, single submitter. Criteria: ACMG Guidelines, 2015. Collection method: not provided. Allele origin: germline. Inheritance: Autosomal dominant inheritance. Affected: yes.

PreventionGenetics, part of Exact Sciences
Classification: Likely benign for AKAP9-related condition. Last evaluated: 2019-12-19. Review status: no assertion criteria provided. Collection method: clinical testing. Allele origin: germline. Not counted in ClinVar's aggregate classification.
Comment: This variant is classified as likely benign based on ACMG/AMP sequence variant interpretation guidelines (Richards et al. 2015 PMID: 25741868, with internal and published modifications).

Literature cited by the submitters: PubMed 25172201 (cited by Ambry Genetics); PubMed 28666525 (cited by Ambry Genetics).